The following is an entry in ClinVar:

ClinVar aggregate classification (germline): Uncertain significance (1 of 4 stars; one submission).

Conditions:
Cardiovascular phenotype. Identifiers: MedGen CN230736.

Submission:

Ambry Genetics
Classification: Uncertain significance for Cardiovascular phenotype. Last evaluated: 2023-06-25. Review status: criteria provided, single submitter. Criteria: Ambry Variant Classification Scheme 2023. Collection method: clinical testing. Allele origin: germline.
Comment: The p.A1409D variant (also known as c.4226C>A), located in coding exon 2 of the ZNF469 gene, results from a C to A substitution at nucleotide position 4226. The alanine at codon 1409 is replaced by aspartic acid, an amino acid with dissimilar properties. This amino acid position is conserved. In addition, this alteration is predicted to be tolerated by in silico analysis. Since supporting evidence is limited at this time, the clinical significance of this alteration remains unclear.

NM_001367624.2(ZNF469):c.4310C>A (p.Ala1437Asp)

Gene: ZNF469 (zinc finger protein 469; plus strand). Cytogenetic location: 16q24.2.
Variant type: single nucleotide variant.
Coding change: c.4310C>A on transcript NM_001367624.2 (MANE Select); coding-DNA position 4310, C replaced by A.
Protein change: p.Ala1437Asp; replaces alanine 1437 with aspartic acid.
Molecular consequence: missense variant.
Genome position (GRCh38, 1-based): chr16:88,431,780, C>A. VCF-style: chr16-88431780-C-A. GRCh37 (hg19) VCF-style: chr16-88498188-C-A.
Other names: NM_001127464.1:c.4226C>A; short protein forms A1437D.
Identifiers: ClinVar variation 2626107 (VCV002626107.2), dbSNP rs960411153, ClinGen allele CA397090974.